The following is an entry in ClinVar:

NM_004380.3(CREBBP):c.3113T>C (p.Ile1038Thr)

Gene: CREBBP (CREB binding lysine acetyltransferase; minus strand). Cytogenetic location: 16p13.3.
Variant type: single nucleotide variant.
Coding change: c.3113T>C on transcript NM_004380.3 (MANE Select); coding-DNA position 3113, T replaced by C.
Protein change: p.Ile1038Thr; replaces isoleucine 1038 with threonine.
Molecular consequence: missense variant.
Genome position (GRCh38, 1-based): chr16:3,767,857, A>G on the plus strand (T>C on the coding strand, the complement: CREBBP is on the minus strand). VCF-style: chr16-3767857-A-G. GRCh37 (hg19) VCF-style: chr16-3817858-A-G.
Other names: c.2999T>C, p.Ile1000Thr (NM_001079846.1); short protein forms I1000T, I1038T.
Identifiers: ClinVar variation 4852299 (VCV004852299.1).

ClinVar aggregate classification (germline): Likely benign (1 of 4 stars; one submission).

Conditions:
Rubinstein-Taybi syndrome due to CREBBP mutations (RSTS1). Also called: BROAD THUMB-HALLUX SYNDROME; RUBINSTEIN SYNDROME; RUBINSTEIN-TAYBI SYNDROME 1, INCOMPLETE; Rubinstein-Taybi syndrome 1; BROAD THUMBS AND GREAT TOES, CHARACTERISTIC FACIES, AND IMPAIRED INTELLECTUAL DEVELOPMENT; CREBBP-Related Rubinstein-Taybi Syndrome. Identifiers: Orphanet 353277, Orphanet 783, MedGen C4551859, MONDO:0008393, OMIM 180849.

Submission:

Centre for Medical Genetics,  Mumbai
Classification: Likely benign for Rubinstein-Taybi syndrome due to CREBBP mutations. Last evaluated: 2026-05-06. Review status: criteria provided, single submitter. Criteria: ACMG Guidelines, 2015. Collection method: provider interpretation. Allele origin: germline. Inheritance: Autosomal dominant inheritance. Affected: no. Observed: 1 variant allele, 1 heterozygote.
Comment: The variant satisfies PM2 criteria - extremely low frequency in gnomAD population databases. The variant satisfies PP2 criteria - missense variant in a gene with low rate of benign missense mutations and for which missense mutation is a common mechanism of a disease. The variant satisfies BP4 criteria - for a missense or a splice region variant, computational prediction tools unanimously support a benign effect on the gene. However, the variant satisfies BS2 criteria - present in heterozygous state in an individual that clinically does not have Rubinstein-Taybi syndrome.

Literature cited by the submitters: PubMed 7630403.